The following is an entry in ClinVar:

ClinVar aggregate classification (germline): Likely pathogenic (1 of 4 stars; one submission).

Conditions:
Dilated cardiomyopathy 1G (CMD1G). Identifiers: Orphanet 154, MedGen C1858763, MONDO:0011400, OMIM 604145.
Autosomal recessive limb-girdle muscular dystrophy type 2J (LGMDR10). Also called: Limb-girdle muscular dystrophy, type 2J; MUSCULAR DYSTROPHY, LIMB-GIRDLE, AUTOSOMAL RECESSIVE 10. Identifiers: Orphanet 140922, MedGen C1837342, MONDO:0012127, OMIM 608807.

Submission:

Labcorp Genetics (formerly Invitae), Labcorp
Classification: Likely pathogenic for Dilated cardiomyopathy 1G; Autosomal recessive limb-girdle muscular dystrophy type 2J. Last evaluated: 2022-01-11. Review status: criteria provided, single submitter. Criteria: Invitae Variant Classification Sherloc (09022015). Collection method: clinical testing. Allele origin: germline.
Comment: This variant has not been reported in the literature in individuals affected with TTN-related conditions. This variant is located in the A band of TTN (PMID: 25589632). Truncating variants in this region are significantly overrepresented in patients affected with dilated cardiomyopathy (PMID: 25589632). Truncating variants in this region have also been reported in individuals affected with autosomal recessive centronuclear myopathy (PMID: 23975875). In summary, the currently available evidence indicates that the variant is pathogenic, but additional data are needed to prove that conclusively. Therefore, this variant has been classified as Likely Pathogenic. This sequence change creates a premature translational stop signal (p.Gln33195*) in the TTN gene. While this is not anticipated to result in nonsense mediated decay, it is expected to create a truncated TTN protein. This variant is not present in population databases (gnomAD no frequency).

Literature cited by the submitters: PubMed 25589632; PubMed 23975875.

NM_001267550.2(TTN):c.99583C>T (p.Gln33195Ter)

Genes: TTN-AS1 (TTN antisense RNA 1; plus strand), TTN (titin; minus strand). Cytogenetic location: 2q31.2.
Variant type: single nucleotide variant.
Coding change: c.99583C>T on transcript NM_001267550.2 (MANE Select); coding-DNA position 99583, C replaced by T.
Protein change: p.Gln33195Ter; replaces glutamine 33195 with a stop codon.
Molecular consequence: nonsense. On other transcripts: non-coding transcript variant (1).
Genome position (GRCh38, 1-based): chr2:178,537,624, G>A on the plus strand (C>T on the coding strand, the complement: TTN is on the minus strand). VCF-style: chr2-178537624-G-A. GRCh37 (hg19) VCF-style: chr2-179402351-G-A.
Other names: c.94660C>T, p.Gln31554Ter (NM_001256850.1); c.72388C>T, p.Gln24130Ter (NM_003319.4); c.91879C>T, p.Gln30627Ter (NM_133378.4); c.72763C>T, p.Gln24255Ter (NM_133432.3); c.72964C>T, p.Gln24322Ter (NM_133437.4); short protein forms Q24130*, Q30627*, Q31554*, Q33195*, Q24255*, Q24322*.
Identifiers: ClinVar variation 2078679 (VCV002078679.4), dbSNP rs2468678573, ClinGen allele CA349427910.